The following is an entry in ClinVar:

ClinVar aggregate classification (germline): Likely pathogenic. Review status: reviewed by expert panel (3 of 4 stars). 2 submissions from 2 submitters: Likely pathogenic (1). 1 of the submissions does not count toward it. Last evaluated 2026-01-06.

Conditions:
DICER1-related tumor predisposition. Also called: DICER1-related pleuropulmonary blastoma cancer predisposition syndrome; DICER1 syndrome. Identifiers: Orphanet 284343, MedGen C3839822, MONDO:0100216.
Euthyroid goiter (MNG1). Also called: Goiter, multinodular 1, with or without Sertoli-Leydig cell tumors; MULTINODULAR GOITER, ADOLESCENT; SIMPLE GOITER; GOITER, NONTOXIC, WITH INTRATHYROIDAL CALCIFICATION. Identifiers: Orphanet 276399, MedGen C0302859, MONDO:0007681, OMIM 138800, HP:0009798.

Submissions (2):

ClinGen DICER1 and miRNA-Processing Gene Variant Curation Expert Panel, ClinGen
Classification: Likely pathogenic for DICER1-related tumor predisposition. Last evaluated: 2026-01-06. Review status: reviewed by expert panel. Criteria: ClinGen DICER1 ACMG Specifications DICER1 V1.4.0. Collection method: curation. Allele origin: germline. Inheritance: Autosomal dominant inheritance.
Comment: The NM_177438.2:c.873_877del (p.Glu292ArgfsTer27) variant in DICER1 is a frameshift variant predicted to cause a premature stop codon in biologically-relevant exon 7/27 leading to nonsense-mediated decay in a gene in which loss-of-function is an established disease mechanism (PVS1). To our knowledge, this variant has not been reported in individuals with DICER1-related tumor predisposition (PS4 not met; Internal lab contributors). This variant is absent from gnomAD v4.1.0 (PM2_Supporting). In summary, this variant meets the criteria to be classified as Likely Pathogenic for DICER1-related tumor predisposition based on the ACMG/AMP criteria applied, as specified by the ClinGen DICER1 VCEP: PVS1, PM2_Supporting. (Bayesian Points: 9; VCEP specifications version 1.4.0; 01/06/2026)

OMIM
Classification: Pathogenic for GOITER, MULTINODULAR 1, WITH OR WITHOUT SERTOLI-LEYDIG CELL TUMORS. Last evaluated: 2011-01-05. Review status: no assertion criteria provided. Collection method: literature only. Allele origin: germline. Not counted in ClinVar's aggregate classification.

Literature cited by the submitters: PubMed 21205968 (cited by OMIM); PubMed 6261577 (cited by OMIM).

NM_177438.3(DICER1):c.873_877del (p.Glu292fs)

Gene: DICER1 (dicer 1, ribonuclease III; minus strand). Cytogenetic location: 14q32.13.
Variant type: Deletion.
Coding change: c.873_877del on transcript NM_177438.3 (MANE Select); coding-DNA positions 873 to 877, 5 bases deleted (AGAAA; older notation c.873_877delAGAAA).
Protein change: p.Glu292fs; shifts the reading frame from glutamic acid 292.
Molecular consequence: frameshift variant. On other transcripts: non-coding transcript variant (6), 5 prime UTR variant (1).
Genome position (GRCh38, 1-based): chr14:95,126,606-95,126,610, TTTCT deleted on the plus strand (AGAAA on the coding strand, the reverse complement: DICER1 is on the minus strand); deleting any 5 consecutive bases within chr14:95,126,606-95,126,613 gives the same sequence; the c. name uses the placement nearest the transcript's 3' end. VCF-style (leftmost placement, unchanged base first): chr14-95126605-CTTTCT-C. GRCh37 (hg19) VCF-style: chr14-95592942-CTTTCT-C.
Other names: NM_177438.3(DICER1):c.873_877del; p.Glu292fs; c.873_877del, p.Glu292fs (NM_001195573.1, NM_001271282.3, NM_001291628.2 and 14 more transcripts); c.591_595del, p.Glu198fs (NM_001395686.1); c.468_472del, p.Glu157fs (NM_001395687.1, NM_001395688.1, NM_001395689.1 and 3 more transcripts); c.306_310del, p.Glu103fs (NM_001395691.1); c.876_879del (NM_177438.3); c.-696_-692del (NM_001395697.1); short protein forms E292fs, E103fs, E157fs, E198fs.
Identifiers: ClinVar variation 30563 (VCV000030563.2), dbSNP rs1595447577, ClinGen allele CA913184891.
Genomic context (GRCh38, chr14:95,126,605, plus strand): 5'-AATATAATCACTATACCTACTTGGTATATGCTTACCTGTTTCGAAATTAAAGTAGAATCT[CTTTCT>C]TTTGAATGTACAGATATATTACAATCATTGATAAAATTAAGTGCTTCTTCTAATTCCATC-3'